The following is an entry in ClinVar:

ClinVar aggregate classification (germline): Uncertain significance (1 of 4 stars; one submission).

Conditions:
Neuroblastoma, susceptibility to, 3. Also called: ALK-Related Neuroblastic Tumor Susceptibility. Identifiers: Orphanet 635, MedGen C2751681, MONDO:0013083, OMIM 613014.

gnomAD v4.1: 1 of 1,614,142 alleles (0.000062%); no homozygotes.

Submission:

Labcorp Genetics (formerly Invitae), Labcorp
Classification: Uncertain significance for Neuroblastoma, susceptibility to, 3. Last evaluated: 2018-10-14. Review status: criteria provided, single submitter. Criteria: Invitae Variant Classification Sherloc (09022015). Collection method: clinical testing. Allele origin: germline.
Comment: This variant has not been reported in the literature in individuals with ALK-related disease. This variant is not present in population databases (ExAC no frequency). This sequence change replaces glycine with arginine at codon 722 of the ALK protein (p.Gly722Arg). The glycine residue is highly conserved and there is a moderate physicochemical difference between glycine and arginine. Algorithms developed to predict the effect of missense changes on protein structure and function (SIFT, PolyPhen-2, Align-GVGD) all suggest that this variant is likely to be disruptive, but these predictions have not been confirmed by published functional studies and their clinical significance is uncertain. In summary, the available evidence is currently insufficient to determine the role of this variant in disease. Therefore, it has been classified as a Variant of Uncertain Significance.

NM_004304.5(ALK):c.2164G>C (p.Gly722Arg)

Gene: ALK (ALK receptor tyrosine kinase; minus strand). Cytogenetic location: 2p23.2.
Variant type: single nucleotide variant.
Coding change: c.2164G>C on transcript NM_004304.5 (MANE Select); coding-DNA position 2164, G replaced by C.
Protein change: p.Gly722Arg; replaces glycine 722 with arginine.
Molecular consequence: missense variant.
Genome position (GRCh38, 1-based): chr2:29,251,145, C>G on the plus strand (G>C on the coding strand, the complement: ALK is on the minus strand). VCF-style: chr2-29251145-C-G. GRCh37 (hg19) VCF-style: chr2-29474011-C-G.
Other names: short protein forms G722R.
Identifiers: ClinVar variation 641119 (VCV000641119.8), dbSNP rs1573160483, ClinGen allele CA346476816.